The following is an entry in ClinVar:

ClinVar aggregate classification (germline): Pathogenic (1 of 4 stars; one submission).

Conditions:
Polycystic kidney disease, adult type (PKD1). Also called: POLYCYSTIC KIDNEY DISEASE, ADULT, TYPE I; Polycystic Kidney Disease 1, Autosomal Dominant; Polycystic kidney disease 1; Polycystic kidney disease 1, severe; Polycystic Kidney, Autosomal Dominant; POLYCYSTIC KIDNEY DISEASE 1 WITH OR WITHOUT POLYCYSTIC LIVER DISEASE. Identifiers: MedGen C3149841, MONDO:0008263, OMIM 173900.

Submission:

Dubai Health Genomic Medicine Center, Dubai Health
Classification: Pathogenic for Polycystic kidney disease 1. Last evaluated: 2024-10-04. Review status: criteria provided, single submitter. Criteria: ACMG Guidelines, 2015. Collection method: research. Allele origin: germline. Affected: yes.
Comment: PVS1,PM2,PP4

NM_001009944.3(PKD1):c.11769dup (p.Arg3924fs)

Gene: PKD1 (polycystin 1, transient receptor potential channel interacting; minus strand). Cytogenetic location: 16p13.3.
Variant type: Duplication.
Coding change: c.11769dup on transcript NM_001009944.3 (MANE Select); coding-DNA position 11769, one base duplicated (C; older notation c.11769dupC).
Protein change: p.Arg3924fs; shifts the reading frame from arginine 3924.
Molecular consequence: frameshift variant.
Genome position (GRCh38, 1-based): chr16:2,091,118, G duplicated on the plus strand (C on the coding strand, the reverse complement: PKD1 is on the minus strand). VCF-style (leftmost placement, unchanged base first): chr16-2091117-T-TG. GRCh37 (hg19) VCF-style: chr16-2141118-T-TG.
Other names: c.11766dup, p.Arg3923fs (NM_000296.4); short protein forms R3923fs, R3924fs.
Identifiers: ClinVar variation 3384004 (VCV003384004.1).